The following is an entry in ClinVar:

NM_015404.4(WHRN):c.549G>A (p.Arg183=)

Gene: WHRN (whirlin; minus strand). Cytogenetic location: 9q32.
Variant type: single nucleotide variant.
Coding change: c.549G>A on transcript NM_015404.4 (MANE Select); coding-DNA position 549, G replaced by A.
Protein change: p.Arg183=; no amino-acid change (arginine 183 retained).
Molecular consequence: synonymous variant.
Genome position (GRCh38, 1-based): chr9:114,504,253, C>T on the plus strand (G>A on the coding strand, the complement: WHRN is on the minus strand). VCF-style: chr9-114504253-C-T. GRCh37 (hg19) VCF-style: chr9-117266533-C-T.
Other names: c.549G>A, p.Arg183= (NM_001173425.2).
Identifiers: ClinVar variation 364698 (VCV000364698.16), dbSNP rs147477922, ClinGen allele CA5206258.

ClinVar aggregate classification (germline): Conflicting classifications of pathogenicity. Review status: criteria provided, conflicting classifications (1 of 4 stars). 5 submissions from 4 submitters: Uncertain significance (2); Likely benign (3). Last evaluated 2026-07-01.

Conditions:
Autosomal recessive nonsyndromic hearing loss 31. Also called: WHIRLER, MOUSE, HOMOLOG OF. Identifiers: Orphanet 90636, MedGen C1846839, MONDO:0011767, OMIM 607084.
Usher syndrome type 2D. Also called: USHER SYNDROME, TYPE IID. Identifiers: Orphanet 231178, Orphanet 886, MedGen C1568249, MONDO:0012662, OMIM 611383.

Allele frequency attached by ClinVar (database versions not stated): gnomAD exomes 0.00001 and 0.00004; gnomAD 0.00002 and 0.00003; ExAC 0.00003; TOPMed 0.00003; ESP Exome Variant Server 0.00008.
gnomAD v4.1: 25 of 1,614,038 alleles (0.0015%); highest among the groups gnomAD compares: Non-Finnish European, 0.0019%; no homozygotes.

Submissions (5):

CeGaT Center for Human Genetics Tuebingen
Classification: Likely benign. Last evaluated: 2026-07-01. Review status: criteria provided, single submitter. Criteria: CeGaT Center For Human Genetics Tuebingen Variant Classification Criteria Version 2. Collection method: clinical testing. Allele origin: germline. Affected: yes. Observed: 2 variant alleles.
Comment: WHRN: BP4, BP7

Blueprint Genetics
Classification: Likely benign. Last evaluated: 2024-11-05. Review status: criteria provided, single submitter. Criteria: ACMG Guidelines, 2015. Collection method: clinical testing. Allele origin: germline.

Labcorp Genetics (formerly Invitae), Labcorp
Classification: Likely benign. Last evaluated: 2024-09-17. Review status: criteria provided, single submitter. Criteria: Invitae Variant Classification Sherloc (09022015). Collection method: clinical testing. Allele origin: germline.

Illumina Laboratory Services, Illumina
Classification: Uncertain significance for Autosomal recessive nonsyndromic hearing loss 31. Last evaluated: 2018-01-12. Review status: criteria provided, single submitter. Criteria: ICSL Variant Classification Criteria 13 December 2019. Collection method: clinical testing. Allele origin: germline.

Illumina Laboratory Services, Illumina
Classification: Uncertain significance for Usher syndrome type 2D. Last evaluated: 2018-01-12. Review status: criteria provided, single submitter. Criteria: ICSL Variant Classification Criteria 13 December 2019. Collection method: clinical testing. Allele origin: germline.